The following is an entry in ClinVar:

NM_020975.6(RET):c.676C>A (p.Arg226Ser)

Gene: RET (ret proto-oncogene; plus strand). Cytogenetic location: 10q11.21.
Variant type: single nucleotide variant.
Coding change: c.676C>A on transcript NM_020975.6 (MANE Select); coding-DNA position 676, C replaced by A.
Protein change: p.Arg226Ser; replaces arginine 226 with serine.
Molecular consequence: missense variant.
Genome position (GRCh38, 1-based): chr10:43,105,002, C>A. VCF-style: chr10-43105002-C-A. GRCh37 (hg19) VCF-style: chr10-43600450-C-A.
Other names: c.676C>A, p.Arg226Ser (NM_000323.2, NM_001406743.1, NM_001406744.1 and 8 more transcripts); c.-87C>A (NM_001355216.2); c.547C>A, p.Arg183Ser (NM_001406761.1, NM_001406762.1, NM_001406764.1 and 2 more transcripts); c.388C>A, p.Arg130Ser (NM_001406766.1, NM_001406767.1, NM_001406770.1); short protein forms R130S, R183S, R226S.
Identifiers: ClinVar variation 1755332 (VCV001755332.2), dbSNP rs1455266037, ClinGen allele CA376544488.

ClinVar aggregate classification (germline): Uncertain significance (1 of 4 stars; one submission).

Conditions:
Hereditary cancer-predisposing syndrome. Also called: Neoplastic Syndromes, Hereditary; Tumor predisposition; Hereditary Cancer Syndrome; Hereditary neoplastic syndrome. Identifiers: Orphanet 140162, MedGen C0027672, MeSH D009386, MONDO:0015356.

Submission:

Ambry Genetics
Classification: Uncertain significance for Hereditary cancer-predisposing syndrome. Last evaluated: 2022-06-03. Review status: criteria provided, single submitter. Criteria: Ambry Variant Classification Scheme 2023. Collection method: clinical testing. Allele origin: germline.
Comment: The p.R226S variant (also known as c.676C>A), located in coding exon 4 of the RET gene, results from a C to A substitution at nucleotide position 676. The arginine at codon 226 is replaced by serine, an amino acid with dissimilar properties. This amino acid position is conserved. In addition, this alteration is predicted to be tolerated by in silico analysis. Since supporting evidence is limited at this time, the clinical significance of this alteration remains unclear.